The following is an entry in ClinVar:

NM_003242.6(TGFBR2):c.*1507A>G

Gene: TGFBR2 (transforming growth factor beta receptor 2; plus strand). Cytogenetic location: 3p24.1.
Variant type: single nucleotide variant.
Coding change: c.*1507A>G on transcript NM_003242.6 (MANE Select); 1507 bases downstream of the stop codon, A replaced by G.
Molecular consequence: 3 prime UTR variant.
Genome position (GRCh38, 1-based): chr3:30,693,106, A>G. VCF-style: chr3-30693106-A-G. GRCh37 (hg19) VCF-style: chr3-30734598-A-G.
Other names: c.*1507A>G (NM_001024847.3, NM_001407126.1, NM_001407127.1 and 11 more transcripts).
Identifiers: ClinVar variation 344697 (VCV000344697.8), dbSNP rs139938413, ClinGen allele CA10618035.

ClinVar aggregate classification (germline): Likely benign. Review status: criteria provided, multiple submitters, no conflicts (2 of 4 stars). 2 submissions from 2 submitters: Likely benign (2). Last evaluated 2018-05-22.

Conditions:
Loeys-Dietz syndrome 2 (LDS2). Also called: TGFBR2-Related Loeys-Dietz Syndrome; AORTIC ANEURYSM, FAMILIAL THORACIC 3; MARFAN SYNDROME, TYPE II; Marfan Syndrome type 2; Marfan like connective tissue disorder; MFS 2. Identifiers: Orphanet 284973, Orphanet 558, MedGen C2674574, MONDO:0012427, OMIM 610168.

Allele frequency attached by ClinVar (database versions not stated): gnomAD exomes 0.00168; 1000 Genomes Project 0.00260; 1000 Genomes Project 30x 0.00265; gnomAD 0.00418 and 0.00439; TOPMed 0.00464.
gnomAD v4.1: 775 of 233,244 alleles (0.33%); highest among the groups gnomAD compares: African/African-American, 1.3%; 3 homozygotes.

Submissions (2):

Illumina Laboratory Services, Illumina
Classification: Likely benign for Loeys-Dietz syndrome 2. Last evaluated: 2018-05-22. Review status: criteria provided, single submitter. Criteria: ICSL Variant Classification Criteria 13 December 2019. Collection method: clinical testing. Allele origin: germline.
Comment: This variant was observed as part of a predisposition screen in an ostensibly healthy population. A literature search was performed for the gene, cDNA change, and amino acid change (where applicable). No publications were found based on this search. Allele frequency data from public databases allowed determination this variant is unlikely to cause disease. Therefore, this variant is classified as likely benign.

Breakthrough Genomics
Classification: Likely benign. Review status: criteria provided, single submitter. Criteria: ACMG Guidelines, 2015. Collection method: not provided. Allele origin: germline. Inheritance: Autosomal dominant inheritance. Affected: yes.